The following is an entry in ClinVar:

NM_000400.4(ERCC2):c.1714del (p.Gln572fs)

Gene: ERCC2 (ERCC excision repair 2, TFIIH core complex helicase subunit; minus strand). Cytogenetic location: 19q13.32.
Variant type: Deletion.
Coding change: c.1714del on transcript NM_000400.4 (MANE Select); coding-DNA position 1714, one base deleted (C; older notation c.1714delC).
Protein change: p.Gln572fs; shifts the reading frame from glutamine 572.
Molecular consequence: frameshift variant. On other transcripts: non-coding transcript variant (3).
Genome position (GRCh38, 1-based): chr19:45,353,286, G deleted on the plus strand (C on the coding strand, the reverse complement: ERCC2 is on the minus strand); the first of 3 consecutive G bases (chr19:45,353,286-45,353,288); deleting any one gives the same sequence. VCF-style (leftmost placement, unchanged base first): chr19-45353285-TG-T. GRCh37 (hg19) VCF-style: chr19-45856543-TG-T.
Other names: c.1642del, p.Gln548fs (NM_001440355.1); c.1636del, p.Gln546fs (NM_001440356.1); c.1591del, p.Gln531fs (NM_001440357.1); short protein forms Q531fs, Q548fs, Q572fs, Q546fs.
Identifiers: ClinVar variation 5004238 (VCV005004238.1).

ClinVar aggregate classification (germline): Pathogenic (1 of 4 stars; one submission).

Conditions:
ERCC2-related disorder. Also called: ERCC2-related conditions; ERCC2-related condition; ERCC2-related disorders. Identifiers: MedGen CN239291.

Submission:

Myriad Genetics, Inc.
Classification: Pathogenic for ERCC2-related disorder. Last evaluated: 2025-10-21. Review status: criteria provided, single submitter. Criteria: Myriad Autosomal Dominant, Autosomal Recessive and X-Linked Classification Criteria (2023). Collection method: clinical testing. Allele origin: unknown.
Comment: NM_000400.3(ERCC2):c.1714delC(Q572Rfs*137) is a frameshift variant classified as pathogenic in the context of ERCC2-related disorders. Q572Rfs*137 has not been observed in cases with relevant disease. Relevant functional assessments of this variant are not available in the literature. Q572Rfs*137 has not been observed in referenced population frequency databases. In summary, NM_000400.3(ERCC2):c.1714delC(Q572Rfs*137) is a frameshift variant in a gene where loss of function is a known mechanism of disease and is predicted to disrupt protein function. Please note: this variant was assessed in the context of healthy population screening.